The following is an entry in ClinVar:

ClinVar aggregate classification (germline): Uncertain significance (1 of 4 stars; one submission).

Conditions:
Retinitis pigmentosa 39 (RP39). Identifiers: Orphanet 791, MedGen C3151138, MONDO:0013436, OMIM 613809.

Submission:

Ocular Genomics Institute, Massachusetts Eye and Ear
Classification: Uncertain significance for Retinitis pigmentosa 39. Last evaluated: 2021-04-08. Review status: criteria provided, single submitter. Criteria: ACMG Guidelines, 2015. Collection method: research. Allele origin: germline. Affected: yes.
Comment: Through a review of available evidence we were able to apply the following criteria: PM2. Based on this evidence we have classified this variant as Variant of Uncertain Significance.

NM_206933.4(USH2A):c.4085C>T (p.Pro1362Leu)

Genes: USH2A (usherin; minus strand), USH2A-AS1 (USH2A antisense RNA 1; plus strand). Cytogenetic location: 1q41.
Variant type: single nucleotide variant.
Coding change: c.4085C>T on transcript NM_206933.4 (MANE Select); coding-DNA position 4085, C replaced by T.
Protein change: p.Pro1362Leu; replaces proline 1362 with leucine.
Molecular consequence: missense variant.
Genome position (GRCh38, 1-based): chr1:216,196,719, G>A on the plus strand (C>T on the coding strand, the complement: USH2A is on the minus strand). VCF-style: chr1-216196719-G-A. GRCh37 (hg19) VCF-style: chr1-216370061-G-A.
Other names: c.4085C>T, p.Pro1362Leu (NM_007123.6); short protein forms P1362L.
Identifiers: ClinVar variation 1065661 (VCV001065661.1), dbSNP rs2102460775, ClinGen allele CA344866762.
Genomic context (GRCh38, chr1:216,196,719, plus strand): 5'-CAGGAGATATTGAGAGAGTACGAAGAGAGGGGAAAGACTGAAGGAGGGATCATGAATACA[G>A]GTGCTATCAATGAGAACAATAACAATAACATCAAAACAATGAATGTCGTCCCTATATATT-3'
Protein context (NP_996816.3, residues 1352-1372): WVSERTGESA[Pro1362Leu]VFMIPPSVFP